The following is an entry in ClinVar:

NM_006269.2(RP1):c.4379G>T (p.Arg1460Ile)

Gene: RP1 (RP1 axonemal microtubule associated; plus strand). Cytogenetic location: 8q12.1.
Variant type: single nucleotide variant.
Coding change: c.4379G>T on transcript NM_006269.2 (MANE Select); coding-DNA position 4379, G replaced by T.
Protein change: p.Arg1460Ile; replaces arginine 1460 with isoleucine.
Molecular consequence: missense variant. On other transcripts: intron variant (1).
Genome position (GRCh38, 1-based): chr8:54,628,261, G>T. VCF-style: chr8-54628261-G-T. GRCh37 (hg19) VCF-style: chr8-55540821-G-T.
Other names: c.787+5973G>T (NM_001375654.1); short protein forms R1460I.
Identifiers: ClinVar variation 912237 (VCV000912237.12), dbSNP rs758211043, ClinGen allele CA4751855.

ClinVar aggregate classification (germline): Uncertain significance. Review status: criteria provided, multiple submitters, no conflicts (2 of 4 stars). 2 submissions from 2 submitters: Uncertain significance (2). Last evaluated 2020-10-14.

Conditions:
Retinitis pigmentosa (RP). Identifiers: Orphanet 791, MedGen C0035334, MeSH D012174, MONDO:0019200, OMIM 268000. Inheritance: Autosomal dominant, autosomal recessive and X linked inheritance.

Allele frequency attached by ClinVar (database versions not stated): gnomAD exomes below 0.00001; ExAC 0.00001.
gnomAD v4.1: 2 of 1,613,912 alleles (0.00012%); highest among the groups gnomAD compares: Non-Finnish European, 0.00017%; no homozygotes.

Submissions (2):

Labcorp Genetics (formerly Invitae), Labcorp
Classification: Uncertain significance. Last evaluated: 2020-10-14. Review status: criteria provided, single submitter. Criteria: Invitae Variant Classification Sherloc (09022015). Collection method: clinical testing. Allele origin: germline.
Comment: In summary, the available evidence is currently insufficient to determine the role of this variant in disease. Therefore, it has been classified as a Variant of Uncertain Significance. Algorithms developed to predict the effect of missense changes on protein structure and function are either unavailable or do not agree on the potential impact of this missense change (SIFT: "Deleterious"; PolyPhen-2: "Possibly Damaging"; Align-GVGD: "Class C0"). This variant has not been reported in the literature in individuals with RP1-related conditions. ClinVar contains an entry for this variant (Variation ID: 912237). The frequency data for this variant in the population databases is considered unreliable, as metrics indicate poor data quality at this position in the ExAC database. This sequence change replaces arginine with isoleucine at codon 1460 of the RP1 protein (p.Arg1460Ile). The arginine residue is highly conserved and there is a moderate physicochemical difference between arginine and isoleucine.

Illumina Laboratory Services, Illumina
Classification: Uncertain significance for Retinitis pigmentosa. Last evaluated: 2018-01-12. Review status: criteria provided, single submitter. Criteria: ICSL Variant Classification Criteria 13 December 2019. Collection method: clinical testing. Allele origin: germline.